The following is an entry in ClinVar:

ClinVar aggregate classification (germline): Likely benign (1 of 4 stars; one submission).

gnomAD v4.1: 3 of 1,614,176 alleles (0.00019%); highest among the groups gnomAD compares: Non-Finnish European, 0.00017%; no homozygotes.

Submission:

CeGaT Center for Human Genetics Tuebingen
Classification: Likely benign. Last evaluated: 2024-11-01. Review status: criteria provided, single submitter. Criteria: CeGaT Center For Human Genetics Tuebingen Variant Classification Criteria Version 2. Collection method: clinical testing. Allele origin: germline. Affected: yes. Observed: 1 variant allele.
Comment: RNF213: BP4, BP7

NM_001256071.3(RNF213):c.7551C>T (p.Gly2517=)

Gene: RNF213 (ring finger protein 213; plus strand). Cytogenetic location: 17q25.3.
Variant type: single nucleotide variant.
Coding change: c.7551C>T on transcript NM_001256071.3 (MANE Select); coding-DNA position 7551, C replaced by T.
Protein change: p.Gly2517=; no amino-acid change (glycine 2517 retained).
Molecular consequence: synonymous variant.
Genome position (GRCh38, 1-based): chr17:80,345,886, C>T. VCF-style: chr17-80345886-C-T. GRCh37 (hg19) VCF-style: chr17-78319686-C-T.
Other names: c.7698C>T, p.Gly2566= (NM_001410195.1, NM_020914.5).
Identifiers: ClinVar variation 3390134 (VCV003390134.14).
Genomic context (GRCh38, chr17:80,345,886, plus strand): 5'-TATCAAAGAAGTCCTGTGTGATCATATGGTGGATGGCCAGCCTCTGGCTGAGGACTCTGG[C>T]CTGCATATTATAGCTGCCTGCAATCCATACCGGAAGCACTCTGAGGAGATGATCTGCCGT-3'
Protein context (NP_001243000.2, residues 2507-2527): VDGQPLAEDS[Gly2517=]LHIIAACNPY